The following is an entry in ClinVar:

NM_181882.3(PRX):c.354G>A (p.Lys118=)

Gene: PRX (periaxin; minus strand). Cytogenetic location: 19q13.2.
Variant type: single nucleotide variant.
Coding change: c.354G>A on transcript NM_181882.3 (MANE Select); coding-DNA position 354, G replaced by A.
Protein change: p.Lys118=; no amino-acid change (lysine 118 retained).
Molecular consequence: synonymous variant.
Genome position (GRCh38, 1-based): chr19:40,398,647, C>T on the plus strand (G>A on the coding strand, the complement: PRX is on the minus strand). VCF-style: chr19-40398647-C-T. GRCh37 (hg19) VCF-style: chr19-40904554-C-T.
Other names: c.354G>A, p.Lys118= (NM_020956.2).
Identifiers: ClinVar variation 388951 (VCV000388951.16), dbSNP rs1044654884, ClinGen allele CA16609003.
Genomic context (GRCh38, chr19:40,398,647, plus strand): 5'-GTCCAGGGCCGGGGCCGGGCTAAGCACGCGTACCAGCTTGGCCACCTTGGCCCGCGGGCC[C>T]TTGATCTCGTAGCCAGACACGGTCCCGGGCCGCAGAGCCAGGTCCCCGGTGGGCACAGTG-3'
Protein context (NP_870998.2, residues 108-128): RPGTVSGYEI[Lys118=]GPRAKVAKLN

ClinVar aggregate classification (germline): Likely benign. Review status: criteria provided, multiple submitters, no conflicts (2 of 4 stars). 4 submissions from 4 submitters: Likely benign (4). Last evaluated 2025-08-21.

Conditions:
Inborn genetic diseases. Identifiers: MedGen C0950123, MeSH D030342.
Charcot-Marie-Tooth disease type 4. Also called: Charcot-Marie-Tooth disease, type IV; Charcot-Marie-Tooth, Type 4. Identifiers: Orphanet 64749, MedGen C4082197, MONDO:0018995.

Allele frequency attached by ClinVar (database versions not stated): gnomAD exomes below 0.00001 and 0.00001; gnomAD 0.00001; TOPMed 0.00005.
gnomAD v4.1: 10 of 1,613,698 alleles (0.00062%); highest among the groups gnomAD compares: Admixed American, 0.0083%; no homozygotes.

Submissions (4):

Labcorp Genetics (formerly Invitae), Labcorp
Classification: Likely benign for Charcot-Marie-Tooth disease type 4. Last evaluated: 2025-08-21. Review status: criteria provided, single submitter. Criteria: Invitae Variant Classification Sherloc (09022015). Collection method: clinical testing. Allele origin: germline.

Ambry Genetics
Classification: Likely benign for Inborn genetic diseases. Last evaluated: 2019-07-11. Review status: criteria provided, single submitter. Criteria: Ambry Variant Classification Scheme 2023. Collection method: clinical testing. Allele origin: germline.

ARUP Laboratories, Molecular Genetics and Genomics, ARUP Laboratories
Classification: Likely benign. Last evaluated: 2018-01-22. Review status: criteria provided, single submitter. Criteria: ARUP Molecular Germline Variant Investigation Process. Collection method: clinical testing. Allele origin: germline.
Comment: The c.354G>A; p.Lys118Lys variant does not alter the amino acid sequence of the PRX protein and computational splice site prediction algorithms do not predict a change in the nearest splice site or creation of a cryptic splice site. This variant has not been reported in the medical literature or in gene specific variation databases. This variant is listed in the genome Aggregation Database (gnomAD) with an overall population frequency of 0.0008% (identified on 2 out of 244,536 chromosomes). Based on the available information, the c.354G>A variant is likely to be benign.

GeneDx
Classification: Likely benign. Last evaluated: 2016-08-26. Review status: criteria provided, single submitter. Criteria: GeneDx Variant Classification (06012015). Collection method: clinical testing. Allele origin: germline. Affected: yes.
Comment: This variant is considered likely benign or benign based on one or more of the following criteria: it is a conservative change, it occurs at a poorly conserved position in the protein, it is predicted to be benign by multiple in silico algorithms, and/or has population frequency not consistent with disease.